The following is an entry in ClinVar:

ClinVar aggregate classification (germline): Uncertain significance (1 of 4 stars; one submission).

Submission:

CeGaT Center for Human Genetics Tuebingen
Classification: Uncertain significance. Last evaluated: 2022-07-01. Review status: criteria provided, single submitter. Criteria: CeGaT Center For Human Genetics Tuebingen Variant Classification Criteria Version 2. Collection method: clinical testing. Allele origin: germline. Affected: yes. Observed: 1 variant allele.
Comment: BPIFB6: PM2, BP4

NM_174897.2(BPIFB6):c.303-6C>T

Gene: BPIFB6 (BPI fold containing family B member 6; plus strand). Cytogenetic location: 20q11.21.
Variant type: single nucleotide variant.
Coding change: c.303-6C>T on transcript NM_174897.2 (MANE Select); 6 bases into the intron before coding-DNA position 303, C replaced by T.
Molecular consequence: intron variant.
Genome position (GRCh38, 1-based): chr20:33,034,757, C>T. VCF-style: chr20-33034757-C-T. GRCh37 (hg19) VCF-style: chr20-31622563-C-T.
Identifiers: ClinVar variation 2652261 (VCV002652261.24), dbSNP rs2516015602, ClinGen allele CA2577369581.